The following is an entry in ClinVar:

ClinVar aggregate classification (germline): Likely benign (1 of 4 stars; one submission).

Allele frequency attached by ClinVar (database versions not stated): ExAC 0.00001; gnomAD 0.00001; gnomAD exomes 0.00001; TOPMed 0.00001.
gnomAD v4.1: 21 of 1,614,054 alleles (0.0013%); highest among the groups gnomAD compares: Non-Finnish European, 0.0018%; no homozygotes.

Submission:

CeGaT Center for Human Genetics Tuebingen
Classification: Likely benign. Last evaluated: 2023-02-01. Review status: criteria provided, single submitter. Criteria: CeGaT Center For Human Genetics Tuebingen Variant Classification Criteria Version 2. Collection method: clinical testing. Allele origin: germline. Affected: yes. Observed: 1 variant allele.
Comment: TAF1C: BP4

NM_001243156.2(TAF1C):c.838+30C>T

Gene: TAF1C (TATA-box binding protein associated factor, RNA polymerase I subunit C; minus strand). Cytogenetic location: 16q24.1.
Variant type: single nucleotide variant.
Coding change: c.838+30C>T on transcript NM_001243156.2 (MANE Select); 30 bases into the intron after coding-DNA position 838, C replaced by T.
Molecular consequence: intron variant. On other transcripts: missense variant (1).
Genome position (GRCh38, 1-based): chr16:84,181,912, G>A on the plus strand (C>T on the coding strand, the complement: TAF1C is on the minus strand). VCF-style: chr16-84181912-G-A. GRCh37 (hg19) VCF-style: chr16-84215518-G-A.
Other names: c.868C>T, p.His290Tyr (NM_005679.4); c.-625+30C>T (NM_001243160.2); c.-81+30C>T (NM_001243157.2, NM_001243158.2); c.637+30C>T (NM_139353.3); c.-440+30C>T (NM_001243159.2); short protein forms H290Y.
Identifiers: ClinVar variation 2646915 (VCV002646915.24), dbSNP rs776072841, ClinGen allele CA8204002.